The following is an entry in ClinVar:

ClinVar aggregate classification (germline): Uncertain significance (1 of 4 stars; one submission).

Conditions:
Dyskeratosis congenita. Identifiers: Orphanet 1775, MedGen C0265965, MONDO:0015780.

gnomAD v4.1: 1 of 1,606,316 alleles (0.000062%); highest among the groups gnomAD compares: Non-Finnish European, 0.000085%; no homozygotes.

Submission:

Labcorp Genetics (formerly Invitae), Labcorp
Classification: Uncertain significance for Dyskeratosis congenita. Last evaluated: 2021-08-12. Review status: criteria provided, single submitter. Criteria: Invitae Variant Classification Sherloc (09022015). Collection method: clinical testing. Allele origin: germline.
Comment: In summary, the available evidence is currently insufficient to determine the role of this variant in disease. Therefore, it has been classified as a Variant of Uncertain Significance. Algorithms developed to predict the effect of missense changes on protein structure and function output the following: SIFT: "Deleterious"; PolyPhen-2: "Benign"; Align-GVGD: "Class C0". The threonine amino acid residue is found in multiple mammalian species, which suggests that this missense change does not adversely affect protein function. This variant has not been reported in the literature in individuals affected with CTC1-related conditions. This variant is not present in population databases (ExAC no frequency). This sequence change replaces alanine with threonine at codon 565 of the CTC1 protein (p.Ala565Thr). The alanine residue is moderately conserved and there is a small physicochemical difference between alanine and threonine.

NM_025099.6(CTC1):c.1693G>A (p.Ala565Thr)

Gene: CTC1 (CST telomere replication complex component 1; minus strand). Cytogenetic location: 17p13.1.
Variant type: single nucleotide variant.
Coding change: c.1693G>A on transcript NM_025099.6 (MANE Select); coding-DNA position 1693, G replaced by A.
Protein change: p.Ala565Thr; replaces alanine 565 with threonine.
Molecular consequence: missense variant. On other transcripts: non-coding transcript variant (1).
Genome position (GRCh38, 1-based): chr17:8,234,580, C>T on the plus strand (G>A on the coding strand, the complement: CTC1 is on the minus strand). VCF-style: chr17-8234580-C-T. GRCh37 (hg19) VCF-style: chr17-8137898-C-T.
Other names: short protein forms A565T.
Identifiers: ClinVar variation 1449114 (VCV001449114.6), dbSNP rs2151517418, ClinGen allele CA397983064.